The following is an entry in ClinVar:

ClinVar aggregate classification (germline): Uncertain significance. Review status: criteria provided, multiple submitters, no conflicts (2 of 4 stars). 2 submissions from 2 submitters: Uncertain significance (2). Last evaluated 2022-09-14.

Conditions:
Hereditary cancer-predisposing syndrome. Also called: Neoplastic Syndromes, Hereditary; Tumor predisposition; Hereditary neoplastic syndrome; Hereditary Cancer Syndrome. Identifiers: Orphanet 140162, MedGen C0027672, MeSH D009386, MONDO:0015356.
Familial adenomatous polyposis 1 (FAP1). Also called: POLYPOSIS, ADENOMATOUS INTESTINAL; FAMILIAL ADENOMATOUS POLYPOSIS 1, ATTENUATED. Identifiers: MedGen C2713442, MONDO:0021056, OMIM 175100. Disease mechanism: loss of function.

Submissions (2):

Labcorp Genetics (formerly Invitae), Labcorp
Classification: Uncertain significance for Familial adenomatous polyposis 1. Last evaluated: 2022-09-14. Review status: criteria provided, single submitter. Criteria: Invitae Variant Classification Sherloc (09022015). Collection method: clinical testing. Allele origin: germline.
Comment: This sequence change replaces glutamic acid, which is acidic and polar, with aspartic acid, which is acidic and polar, at codon 154 of the APC protein (p.Glu154Asp). This variant is not present in population databases (gnomAD no frequency). This variant has not been reported in the literature in individuals affected with APC-related conditions. ClinVar contains an entry for this variant (Variation ID: 825053). Advanced modeling of protein sequence and biophysical properties (such as structural, functional, and spatial information, amino acid conservation, physicochemical variation, residue mobility, and thermodynamic stability) performed at Invitae indicates that this missense variant is not expected to disrupt APC protein function. In summary, the available evidence is currently insufficient to determine the role of this variant in disease. Therefore, it has been classified as a Variant of Uncertain Significance.

Ambry Genetics
Classification: Uncertain significance for Hereditary cancer-predisposing syndrome. Last evaluated: 2019-09-18. Review status: criteria provided, single submitter. Criteria: Ambry Variant Classification Scheme 2023. Collection method: clinical testing. Allele origin: germline.
Comment: The p.E154D variant (also known as c.462A>C), located in coding exon 4 of the APC gene, results from an A to C substitution at nucleotide position 462. The glutamic acid at codon 154 is replaced by aspartic acid, an amino acid with highly similar properties. This amino acid position is highly conserved in available vertebrate species. In addition, in silico predictors for this gene do not accurately predict pathogenicity. Since supporting evidence is limited at this time, the clinical significance of this alteration remains unclear.

NM_000038.6(APC):c.462A>C (p.Glu154Asp)

Gene: APC (APC regulator of Wnt signaling pathway; plus strand). Cytogenetic location: 5q22.2.
Variant type: single nucleotide variant.
Coding change: c.462A>C on transcript NM_000038.6 (MANE Select); coding-DNA position 462, A replaced by C.
Protein change: p.Glu154Asp; replaces glutamic acid 154 with aspartic acid.
Molecular consequence: missense variant. On other transcripts: 5 prime UTR variant (1).
Genome position (GRCh38, 1-based): chr5:112,775,668, A>C. VCF-style: chr5-112775668-A-C. GRCh37 (hg19) VCF-style: chr5-112111365-A-C.
Other names: c.462A>C, p.Glu154Asp (NM_001127510.3, NM_001354895.2, NM_001354896.2 and 2 more transcripts); c.492A>C, p.Glu164Asp (NM_001127511.3, NM_001354897.2, NM_001354902.2); c.387A>C, p.Glu129Asp (NM_001354898.2, NM_001354904.2); c.285A>C, p.Glu95Asp (NM_001354900.2, NM_001354901.2, NM_001354905.2); c.-574A>C (NM_001354906.2); short protein forms E154D, E129D, E164D, E95D.
Identifiers: ClinVar variation 825053 (VCV000825053.10), dbSNP rs1580358904, ClinGen allele CA16022329.